The following is an entry in ClinVar:

ClinVar aggregate classification (germline): Conflicting classifications of pathogenicity. Review status: criteria provided, conflicting classifications (1 of 4 stars). 2 submissions from 2 submitters: Uncertain significance (1); Benign (1). Last evaluated 2026-07-01.

Conditions:
Malignant hyperthermia, susceptibility to, 5 (MHS5). Also called: CACNA1S-Related Malignant Hyperthermia Susceptibility. Identifiers: Orphanet 423, MedGen C1866077, MONDO:0011163, OMIM 601887.
Hypokalemic periodic paralysis, type 1. Also called: HypoPP; Hypokalemic Periodic Paralysis Type 1 (AD). Identifiers: Orphanet 681, MedGen C3714580, MONDO:0042979, OMIM 170400.
Inborn genetic diseases. Identifiers: MedGen C0950123, MeSH D030342.

Allele frequency attached by ClinVar (database versions not stated): gnomAD 0.00001 and 0.00003; gnomAD exomes 0.00004 and 0.00002; TOPMed 0.00003; ExAC 0.00006.
gnomAD v4.1: 35 of 1,614,100 alleles (0.0022%); highest among the groups gnomAD compares: South Asian, 0.027%; no homozygotes.

Submissions (2):

Ambry Genetics
Classification: Uncertain significance for Inborn genetic diseases. Last evaluated: 2026-07-01. Review status: criteria provided, single submitter. Criteria: Ambry Variant Classification Scheme 2023. Collection method: clinical testing. Allele origin: germline.
Comment: The p.A1736T variant (also known as c.5206G>A), located in coding exon 42 of the CACNA1S gene, results from a G to A substitution at nucleotide position 5206. The alanine at codon 1736 is replaced by threonine, an amino acid with similar properties. This amino acid position is conserved. In addition, this alteration is predicted to be tolerated by in silico analysis. Based on the available evidence, the clinical significance of this variant remains unclear.

Labcorp Genetics (formerly Invitae), Labcorp
Classification: Benign for Hypokalemic periodic paralysis, type 1; Malignant hyperthermia, susceptibility to, 5. Last evaluated: 2024-05-15. Review status: criteria provided, single submitter. Criteria: Invitae Variant Classification Sherloc (09022015). Collection method: clinical testing. Allele origin: germline.

NM_000069.3(CACNA1S):c.5206G>A (p.Ala1736Thr)

Gene: CACNA1S (calcium voltage-gated channel subunit alpha1 S; minus strand). Cytogenetic location: 1q32.1.
Variant type: single nucleotide variant.
Coding change: c.5206G>A on transcript NM_000069.3 (MANE Select); coding-DNA position 5206, G replaced by A.
Protein change: p.Ala1736Thr; replaces alanine 1736 with threonine.
Molecular consequence: missense variant.
Genome position (GRCh38, 1-based): chr1:201,040,642, C>T on the plus strand (G>A on the coding strand, the complement: CACNA1S is on the minus strand). VCF-style: chr1-201040642-C-T. GRCh37 (hg19) VCF-style: chr1-201009770-C-T.
Other names: c.5206G>A (NM_000069.2); short protein forms A1736T.
Identifiers: ClinVar variation 1439782 (VCV001439782.9), dbSNP rs776273589, ClinGen allele CA083757.
Genomic context (GRCh38, chr1:201,040,642, plus strand): 5'-CTCTGTATGGAGTTTGCTCCCAGGCCTCTGCCACTGTTACCTGGCAGGGGGCAGGAGGTG[C>T]CTGGCCTCTGGGCATTGCCCTCTGGGTCAGCAGTCCCTTCAGCATCTCCACACAGGGTTT-3'
Protein context (NP_000060.2, residues 1726-1746): LTQRAMPRGQ[Ala1736Thr]PPAPCQCPRV